The following is an entry in ClinVar:

ClinVar aggregate classification (germline): Benign. Review status: criteria provided, single submitter (1 of 4 stars). 2 submissions from 2 submitters: Benign (1). 1 of the submissions does not count toward it. Last evaluated 2026-01-26.

Conditions:
Glycogen storage disease IXb (GSD9B). Also called: GSD IXb; GLYCOGENOSIS OF LIVER AND MUSCLE, AUTOSOMAL RECESSIVE; PHOSPHORYLASE KINASE DEFICIENCY OF LIVER AND MUSCLE, AUTOSOMAL RECESSIVE. Identifiers: Orphanet 79240, MedGen C0543514, MONDO:0009868, OMIM 261750.
PHKB-related disorder. Also called: PHKB-related condition.

Allele frequency attached by ClinVar (database versions not stated): ESP Exome Variant Server 0.00008; gnomAD 0.00014 and 0.00025; TOPMed 0.00057; ExAC 0.00065; gnomAD exomes 0.00073; 1000 Genomes Project 30x 0.00094; 1000 Genomes Project 0.00120.
gnomAD v4.1: 480 of 1,613,716 alleles (0.03%); highest among the groups gnomAD compares: East Asian, 0.91%; 3 homozygotes.

Submissions (2):

Labcorp Genetics (formerly Invitae), Labcorp
Classification: Benign for Glycogen storage disease IXb. Last evaluated: 2026-01-26. Review status: criteria provided, single submitter. Criteria: Invitae Variant Classification Sherloc (09022015). Collection method: clinical testing. Allele origin: germline.

PreventionGenetics, part of Exact Sciences
Classification: Benign for PHKB-related condition. Last evaluated: 2022-05-26. Review status: no assertion criteria provided. Collection method: clinical testing. Allele origin: germline. Not counted in ClinVar's aggregate classification.
Comment: This variant is classified as benign based on ACMG/AMP sequence variant interpretation guidelines (Richards et al. 2015 PMID: 25741868, with internal and published modifications).

NM_000293.3(PHKB):c.76+2537G>A

Gene: PHKB (phosphorylase kinase regulatory subunit beta; plus strand). Cytogenetic location: 16q12.1.
Variant type: single nucleotide variant.
Coding change: c.76+2537G>A on transcript NM_000293.3 (MANE Select); 2537 bases into the intron after coding-DNA position 76, G replaced by A.
Molecular consequence: intron variant. On other transcripts: missense variant (1).
Genome position (GRCh38, 1-based): chr16:47,463,963, G>A. VCF-style: chr16-47463963-G-A. GRCh37 (hg19) VCF-style: chr16-47497874-G-A.
Other names: c.25G>A (NM_001031835.2); c.25G>A, p.Val9Ile (NM_001031835.3); c.76+2537G>A (NM_001363837.1); short protein forms V9I.
Identifiers: ClinVar variation 1166692 (VCV001166692.11), dbSNP rs145777693, ClinGen allele CA8040344.